The following is an entry in ClinVar:

ClinVar aggregate classification (germline): Uncertain significance (1 of 4 stars; one submission).

Conditions:
Cardiovascular phenotype. Identifiers: MedGen CN230736.

Allele frequency attached by ClinVar (database versions not stated): gnomAD exomes below 0.00001.
gnomAD v4.1: 2 of 1,550,360 alleles (0.00013%); highest among the groups gnomAD compares: Non-Finnish European, 0.00017%; no homozygotes.

Submission:

Ambry Genetics
Classification: Uncertain significance for Cardiovascular phenotype. Last evaluated: 2022-04-21. Review status: criteria provided, single submitter. Criteria: Ambry Variant Classification Scheme 2023. Collection method: clinical testing. Allele origin: germline.
Comment: The p.T2209I variant (also known as c.6626C>T), located in coding exon 2 of the ZNF469 gene, results from a C to T substitution at nucleotide position 6626. The threonine at codon 2209 is replaced by isoleucine, an amino acid with similar properties. This amino acid position is conserved. In addition, this alteration is predicted to be tolerated by in silico analysis. Since supporting evidence is limited at this time, the clinical significance of this alteration remains unclear.

NM_001367624.2(ZNF469):c.6710C>T (p.Thr2237Ile)

Gene: ZNF469 (zinc finger protein 469; plus strand). Cytogenetic location: 16q24.2.
Variant type: single nucleotide variant.
Coding change: c.6710C>T on transcript NM_001367624.2 (MANE Select); coding-DNA position 6710, C replaced by T.
Protein change: p.Thr2237Ile; replaces threonine 2237 with isoleucine.
Molecular consequence: missense variant.
Genome position (GRCh38, 1-based): chr16:88,434,180, C>T. VCF-style: chr16-88434180-C-T. GRCh37 (hg19) VCF-style: chr16-88500588-C-T.
Other names: NM_001127464.1:c.6626C>T; short protein forms T2237I.
Identifiers: ClinVar variation 1754542 (VCV001754542.2), dbSNP rs1906401028, ClinGen allele CA397106595.
Genomic context (GRCh38, chr16:88,434,180, plus strand): 5'-GGGAGGGCAGCCCCCTGGAAGACCCTTCCTCCTGGCCTCCTGGCTCCGTCAGTGCTGTAA[C>T]CTGCACTCACAGTGGGGACACCCCCAAAGACAGCACTTTAAGAATTCCAGAGGATTCCAG-3'
Protein context (NP_001354553.1, residues 2227-2247): SWPPGSVSAV[Thr2237Ile]CTHSGDTPKD